The following is an entry in ClinVar:

ClinVar aggregate classification (germline): Uncertain significance (1 of 4 stars; one submission).

gnomAD v4.1: 6 of 1,614,006 alleles (0.00037%); highest among the groups gnomAD compares: Admixed American, 0.005%; no homozygotes.

Submission:

GeneDx
Classification: Uncertain significance. Last evaluated: 2024-11-18. Review status: criteria provided, single submitter. Criteria: GeneDx Variant Classification Process June 2021. Collection method: clinical testing. Allele origin: germline. Affected: yes.
Comment: In silico analysis indicates that this missense variant does not alter protein structure/function; Has not been previously published as pathogenic or benign to our knowledge

NM_173560.4(RFX6):c.2307G>A (p.Met769Ile)

Gene: RFX6 (regulatory factor X6; plus strand). Cytogenetic location: 6q22.1.
Variant type: single nucleotide variant.
Coding change: c.2307G>A on transcript NM_173560.4 (MANE Select); coding-DNA position 2307, G replaced by A.
Protein change: p.Met769Ile; replaces methionine 769 with isoleucine.
Molecular consequence: missense variant.
Genome position (GRCh38, 1-based): chr6:116,927,448, G>A. VCF-style: chr6-116927448-G-A. GRCh37 (hg19) VCF-style: chr6-117248611-G-A.
Other names: short protein forms M769I.
Identifiers: ClinVar variation 3899418 (VCV003899418.1).